The following is an entry in ClinVar:

NM_001142800.2(EYS):c.2299T>C (p.Phe767Leu)

Gene: EYS (EGF-like photoreceptor maintenance factor; minus strand). Cytogenetic location: 6q12.
Variant type: single nucleotide variant.
Coding change: c.2299T>C on transcript NM_001142800.2 (MANE Select); coding-DNA position 2299, T replaced by C.
Protein change: p.Phe767Leu; replaces phenylalanine 767 with leucine.
Molecular consequence: missense variant.
Genome position (GRCh38, 1-based): chr6:64,945,875, A>G on the plus strand (T>C on the coding strand, the complement: EYS is on the minus strand). VCF-style: chr6-64945875-A-G. GRCh37 (hg19) VCF-style: chr6-65655768-A-G.
Other names: c.2299T>C, p.Phe767Leu (NM_001292009.2); short protein forms F767L.
Identifiers: ClinVar variation 2039504 (VCV002039504.4), dbSNP rs528989438, ClinGen allele CA364788201.

ClinVar aggregate classification (germline): Uncertain significance (1 of 4 stars; one submission).

Allele frequency attached by ClinVar (database versions not stated): gnomAD exomes below 0.00001.
gnomAD v4.1: 1 of 1,549,100 alleles (0.000065%); highest among the groups gnomAD compares: Admixed American, 0.002%; no homozygotes.

Submission:

Labcorp Genetics (formerly Invitae), Labcorp
Classification: Uncertain significance. Last evaluated: 2022-08-06. Review status: criteria provided, single submitter. Criteria: Invitae Variant Classification Sherloc (09022015). Collection method: clinical testing. Allele origin: germline.
Comment: This sequence change replaces phenylalanine, which is neutral and non-polar, with leucine, which is neutral and non-polar, at codon 767 of the EYS protein (p.Phe767Leu). This variant is present in population databases (no rsID available, gnomAD 0.004%). This variant has not been reported in the literature in individuals affected with EYS-related conditions. Algorithms developed to predict the effect of missense changes on protein structure and function output the following: SIFT: "Deleterious"; PolyPhen-2: "Possibly Damaging"; Align-GVGD: "Class C15". The leucine amino acid residue is found in multiple mammalian species, which suggests that this missense change does not adversely affect protein function. In summary, the available evidence is currently insufficient to determine the role of this variant in disease. Therefore, it has been classified as a Variant of Uncertain Significance.